The following is an entry in ClinVar:

ClinVar aggregate classification (germline): Uncertain significance. Review status: criteria provided, multiple submitters, no conflicts (2 of 4 stars). 7 submissions from 7 submitters: Uncertain significance (7). Last evaluated 2025-12-17.

Conditions:
MYH7-related disorder. Also called: MYH7-related condition; MYH7-related disease; MYH7-related disorders.
Cardiovascular phenotype. Identifiers: MedGen CN230736.
Cardiomyopathy (CMYO). Also called: Cardiomyopathies. Identifiers: Orphanet 167848, MedGen C0878544, MONDO:0004994, HP:0001638. Inheritance: Various modes of inheritance.
Hypertrophic cardiomyopathy. Also called: HYPERTROPHIC MYOCARDIOPATHY. Identifiers: Orphanet 217569, MedGen C0007194, MeSH D002312, MONDO:0005045, HP:0001639.

Allele frequency attached by ClinVar (database versions not stated): gnomAD 0.00001; TOPMed 0.00001; ExAC 0.00002; gnomAD exomes 0.00003 and 0.00006; ESP Exome Variant Server 0.00008.
gnomAD v4.1: 83 of 1,614,082 alleles (0.0051%); highest among the groups gnomAD compares: Non-Finnish European, 0.0069%; no homozygotes.

Submissions (7):

PreventionGenetics, part of Exact Sciences
Classification: Uncertain significance for MYH7-related condition. Last evaluated: 2025-12-17. Review status: criteria provided, single submitter. Criteria: ACMG Guidelines, 2015. Collection method: clinical testing. Allele origin: germline.
Comment: The MYH7 c.5088G>C variant is predicted to result in the amino acid substitution p.Glu1696Asp. This variant has been reported in cardiomyopathy cohort studies (Table S1A, Walsh et al. 2017. PubMed ID: 27532257; Tables S8 and S10, McGurk et al. 2023. PubMed ID: 37652022; Table S21, Harper et al. 2021. PubMed ID: 33495597). This variant is reported in 0.0062% of alleles in individuals of European (Non-Finnish) descent in gnomAD. At this time, the clinical significance of this variant is uncertain due to the absence of conclusive functional and genetic evidence.

ARUP Laboratories, Molecular Genetics and Genomics, ARUP Laboratories
Classification: Uncertain significance. Last evaluated: 2024-10-08. Review status: criteria provided, single submitter. Criteria: ARUP Molecular Germline Variant Investigation Process 2024. Collection method: clinical testing. Allele origin: germline.
Comment: The MYH7 c.5088G>C; p.Glu1696Asp variant (rs373219734; ClinVar ID: 228914) is reported in the literature in several individuals affected with hypertrophic cardiomyopathy, although its clinical significance was unclear (Harper 2021, Walsh 2017). This variant is found in the general population with an overall allele frequency of 0.003% (8/251,304 alleles) in the Genome Aggregation Database (v2.1.1). Computational analyses are uncertain whether this variant is neutral or deleterious (REVEL: 0.417). Due to limited information, the clinical significance of this variant is uncertain at this time. References: Harper AR et al. Common genetic variants and modifiable risk factors underpin hypertrophic cardiomyopathy susceptibility and expressivity. Nat Genet. 2021 Feb;53(2):135-142. PMID: 33495597. Walsh R et al. Reassessment of Mendelian gene pathogenicity using 7,855 cardiomyopathy cases and 60,706 reference samples. Genet Med. 2017 Feb;19(2):192-203. PMID: 27532257.

Labcorp Genetics (formerly Invitae), Labcorp
Classification: Uncertain significance for Hypertrophic cardiomyopathy. Last evaluated: 2024-07-01. Review status: criteria provided, single submitter. Criteria: Invitae Variant Classification Sherloc (09022015). Collection method: clinical testing. Allele origin: germline.
Comment: This sequence change replaces glutamic acid, which is acidic and polar, with aspartic acid, which is acidic and polar, at codon 1696 of the MYH7 protein (p.Glu1696Asp). This variant is present in population databases (rs373219734, gnomAD 0.006%). This missense change has been observed in individual(s) with hypertrophic cardiomyopathy (PMID: 27532257, 37652022). ClinVar contains an entry for this variant (Variation ID: 228914). Advanced modeling of protein sequence and biophysical properties (such as structural, functional, and spatial information, amino acid conservation, physicochemical variation, residue mobility, and thermodynamic stability) has been performed at Invitae for this missense variant, however the output from this modeling did not meet the statistical confidence thresholds required to predict the impact of this variant on MYH7 protein function. In summary, the available evidence is currently insufficient to determine the role of this variant in disease. Therefore, it has been classified as a Variant of Uncertain Significance.

All of Us Research Program, National Institutes of Health
Classification: Uncertain significance for Cardiomyopathy. Last evaluated: 2024-05-14. Review status: criteria provided, single submitter. Criteria: ACMG Guidelines, 2015. Collection method: clinical testing. Allele origin: germline. Inheritance: Autosomal dominant inheritance. Observed: 3 variant alleles, 3 heterozygotes.
Comment: This missense variant replaces glutamic acid with aspartic acid at codon 1696 of the MYH7 protein. Computational prediction suggests that this variant may not impact protein structure and function (internally defined REVEL score threshold <= 0.5, PMID: 27666373). To our knowledge, functional studies have not been reported for this variant. This variant has been reported in an individual affected with hypertrophic cardiomyopathy (PMID: 27532257, 33495597). This variant has been identified in 8/251304 chromosomes in the general population by the Genome Aggregation Database (gnomAD). The available evidence is insufficient to determine the role of this variant in disease conclusively. Therefore, this variant is classified as a Variant of Uncertain Significance.

This study involves interpretation of variants in research participants for the purpose of population health screening. Participant phenotype was not available at the time of variant classification. Additional details can be found in publication PMID: 35346344, PMCID: PMC8962531

Ambry Genetics
Classification: Uncertain significance for Cardiovascular phenotype. Last evaluated: 2023-09-29. Review status: criteria provided, single submitter. Criteria: Ambry Variant Classification Scheme 2023. Collection method: clinical testing. Allele origin: germline.
Comment: The p.E1696D variant (also known as c.5088G>C), located in coding exon 33 of the MYH7 gene, results from a G to C substitution at nucleotide position 5088. The glutamic acid at codon 1696 is replaced by aspartic acid, an amino acid with highly similar properties. This alteration has been reported in hypertrophic cardiomyopathy cohorts; however, clinical details were limited in both cases (Walsh R et al. Genet Med, 2017 Feb;19:192-203; Harper AR et al. Nat Genet, 2021 Feb;53:135-142). This amino acid position is highly conserved in available vertebrate species. In addition, the in silico prediction for this alteration is inconclusive. Since supporting evidence is limited at this time, the clinical significance of this alteration remains unclear.

Color Diagnostics, LLC DBA Color Health
Classification: Uncertain significance for Cardiomyopathy. Last evaluated: 2023-07-27. Review status: criteria provided, single submitter. Criteria: ACMG Guidelines, 2015. Collection method: clinical testing. Allele origin: germline.
Comment: This missense variant replaces glutamic acid with aspartic acid at codon 1696 of the MYH7 protein. Computational prediction suggests that this variant may not impact protein structure and function (internally defined REVEL score threshold <= 0.5, PMID: 27666373). To our knowledge, functional studies have not been reported for this variant. This variant has been reported in an individual affected with hypertrophic cardiomyopathy (PMID: 27532257, 33495597). This variant has been identified in 8/251304 chromosomes in the general population by the Genome Aggregation Database (gnomAD). The available evidence is insufficient to determine the role of this variant in disease conclusively. Therefore, this variant is classified as a Variant of Uncertain Significance.

Laboratory for Molecular Medicine, Mass General Brigham Personalized Medicine
Classification: Uncertain significance. Last evaluated: 2015-08-21. Review status: criteria provided, single submitter. Criteria: LMM Criteria. Collection method: clinical testing. Allele origin: germline. Observed: 1 variant allele.
Comment: Variant classified as Uncertain Significance - Favor Pathogenic. The p.Glu1696As p variant in MYH7 has not been previously reported in individuals with cardiomyo pathy, but has been identified in 3/66728 European chromosomes by the Exome Aggr egation Consortium (ExAC; dbSNP rs373219734). Th is variant was predicted to be pathogenic using a computational tool clinically validated by our laboratory. This tool's pathogenic prediction is estimated to b e correct 94% of the time (Jordan 2011). In summary, while there is some suspic ion for a pathogenic role, the clinical significance of the p.Glu1696Asp variant is uncertain.

Literature cited by the submitters: PubMed 27532257 (cited by 4 submitters); PubMed 37652022 (cited by Labcorp Genetics (formerly Invitae), Labcorp); PubMed 33495597 (cited by 3 submitters).

NM_000257.4(MYH7):c.5088G>C (p.Glu1696Asp)

Genes: MHRT (myosin heavy chain associated RNA transcript; plus strand), MYH7 (myosin heavy chain 7; minus strand), LOC126861897 (BRD4-independent group 4 enhancer GRCh37_chr14:23884455-23885654; plus strand). Cytogenetic location: 14q11.2.
Variant type: single nucleotide variant.
Coding change: c.5088G>C on transcript NM_000257.4 (MANE Select); coding-DNA position 5088, G replaced by C.
Protein change: p.Glu1696Asp; replaces glutamic acid 1696 with aspartic acid.
Molecular consequence: missense variant. On other transcripts: non-coding transcript variant (1).
Genome position (GRCh38, 1-based): chr14:23,415,698, C>G on the plus strand (G>C on the coding strand, the complement: MYH7 is on the minus strand). VCF-style: chr14-23415698-C-G. GRCh37 (hg19) VCF-style: chr14-23884907-C-G.
Other names: short protein forms E1696D.
Identifiers: ClinVar variation 228914 (VCV000228914.20), dbSNP rs373219734, ClinGen allele CA045277.